The following is an entry in ClinVar:

ClinVar aggregate classification (germline): Conflicting classifications of pathogenicity. Review status: criteria provided, conflicting classifications (1 of 4 stars). 7 submissions from 7 submitters: Uncertain significance (2); Likely benign (2). 3 of the submissions do not count toward it. Last evaluated 2025-12-01.

Conditions:
EXO1-related disorder. Also called: EXO1-related condition.
Hereditary breast ovarian cancer syndrome. Also called: Hereditary breast and ovarian cancer syndrome (HBOC); Hereditary breast and ovarian cancer syndrome; Hereditary breast and ovarian cancer; Breast and ovarian cancer; BRCA1- and BRCA2-Associated Hereditary Breast and Ovarian Cancer; Hereditary breast and/or ovarian cancer syndrome. Identifiers: Orphanet 145, MedGen C0677776, MeSH D061325, MONDO:0003582. Disease mechanism: loss of function.

Allele frequency attached by ClinVar (database versions not stated): 1000 Genomes Project 0.00100; 1000 Genomes Project 30x 0.00109; gnomAD 0.00185 and 0.00189; ExAC 0.00207; gnomAD exomes 0.00210 and 0.00245; TOPMed 0.00212; ESP Exome Variant Server 0.00269.
gnomAD v4.1: 3,847 of 1,613,854 alleles (0.24%); highest among the groups gnomAD compares: Admixed American, 0.29%; 4 homozygotes.

Submissions (7):

CeGaT Center for Human Genetics Tuebingen
Classification: Likely benign. Last evaluated: 2025-12-01. Review status: criteria provided, single submitter. Criteria: CeGaT Center For Human Genetics Tuebingen Variant Classification Criteria Version 2. Collection method: clinical testing. Allele origin: germline. Affected: yes. Observed: 2 variant alleles.
Comment: EXO1: BS1

Blueprint Genetics
Classification: Likely benign. Last evaluated: 2024-11-21. Review status: criteria provided, single submitter. Criteria: ACMG Guidelines, 2015. Collection method: clinical testing. Allele origin: germline.

Molecular Oncology Research Center, Barretos Cancer Hospital
Classification: Uncertain significance for Hereditary breast ovarian cancer syndrome. Last evaluated: 2020-08-01. Review status: criteria provided, single submitter. Criteria: ACMG Guidelines, 2015. Collection method: research. Allele origin: germline. Affected: yes. Observed: 1 variant allele.

Breakthrough Genomics
Classification: Uncertain significance. Review status: criteria provided, single submitter. Criteria: ACMG Guidelines, 2015. Collection method: not provided. Allele origin: germline. Inheritance: Unknown mechanism. Affected: yes.

PreventionGenetics, part of Exact Sciences
Classification: Likely benign for EXO1-related condition. Last evaluated: 2020-07-17. Review status: no assertion criteria provided. Collection method: clinical testing. Allele origin: germline. Not counted in ClinVar's aggregate classification.
Comment: This variant is classified as likely benign based on ACMG/AMP sequence variant interpretation guidelines (Richards et al. 2015 PMID: 25741868, with internal and published modifications).

Clinical Genetics DNA and cytogenetics Diagnostics Lab, Erasmus MC, Erasmus Medical Center
Classification: Uncertain significance. Review status: no assertion criteria provided. Collection method: clinical testing. Allele origin: germline. Affected: yes. Study: VKGL Data-share Consensus. Not counted in ClinVar's aggregate classification.

Laboratory of Diagnostic Genome Analysis, Leiden University Medical Center (LUMC)
Classification: Uncertain significance. Review status: no assertion criteria provided. Collection method: clinical testing. Allele origin: germline. Affected: yes. Study: VKGL Data-share Consensus. Not counted in ClinVar's aggregate classification.

NM_130398.4(EXO1):c.820G>A (p.Gly274Arg)

Gene: EXO1 (exonuclease 1; plus strand). Cytogenetic location: 1q43.
Variant type: single nucleotide variant.
Coding change: c.820G>A on transcript NM_130398.4 (MANE Select); coding-DNA position 820, G replaced by A.
Protein change: p.Gly274Arg; replaces glycine 274 with arginine.
Molecular consequence: missense variant.
Genome position (GRCh38, 1-based): chr1:241,860,580, G>A. VCF-style: chr1-241860580-G-A. GRCh37 (hg19) VCF-style: chr1-242023882-G-A.
Other names: c.820G>A, p.Gly274Arg (NM_001319224.2, NM_003686.4, NM_006027.4); c.820G>A (NM_130398.3); short protein forms G274R.
Identifiers: ClinVar variation 981839 (VCV000981839.29), dbSNP rs149397534, ClinGen allele CA1481168.
Genomic context (GRCh38, chr1:241,860,580, plus strand): 5'-ATCAAGAAAATTGGACATTATCTCAAGATGAATATCACGGTACCAGAGGATTACATCAAC[G>A]GGTTTATTCGGGCCAACAATACCTTCCTCTATCAGCTAGTTTTTGATCCCATCAAAAGGA-3'
Protein context (NP_569082.2, residues 264-284): NITVPEDYIN[Gly274Arg]FIRANNTFLY